The following is an entry in ClinVar:

ClinVar aggregate classification (germline): Pathogenic (1 of 4 stars; one submission).

Conditions:
Neurofibromatosis, type 2 (SWNV). Also called: SCHWANNOMATOSIS, VESTIBULAR; NF2-Related Schwannomatosis; BILATERAL ACOUSTIC NEUROFIBROMATOSIS. Identifiers: Orphanet 637, MedGen C0027832, MONDO:0007039, OMIM 101000. Disease mechanism: loss of function.

Submission:

Labcorp Genetics (formerly Invitae), Labcorp
Classification: Pathogenic for Neurofibromatosis, type 2. Last evaluated: 2016-06-25. Review status: criteria provided, single submitter. Criteria: Invitae Variant Classification Sherloc (09022015). Collection method: clinical testing. Allele origin: germline.
Comment: Loss-of-function variants in NF2 are known to be pathogenic. This particular variant has been reported in the literature in a patient with three non-vestibular schwannomas, consistent with neurofibromatosis type 2 (NF2) (PMID: 21906157). This sequence change affects an acceptor splice site in intron 7 of the NF2 gene. It is expected to disrupt mRNA splicing and likely results in an absent or disrupted protein product. For these reasons, this variant has been classified as Pathogenic.

Literature cited by the submitters: PubMed 21906157.

NM_000268.4(NF2):c.676-2A>G

Gene: NF2 (NF2, moesin-ezrin-radixin like (MERLIN) tumor suppressor; plus strand). Cytogenetic location: 22q12.2.
Variant type: single nucleotide variant.
Coding change: c.676-2A>G on transcript NM_000268.4 (MANE Select); the canonical splice acceptor site of the intron before coding-DNA position 676, A replaced by G.
Molecular consequence: splice acceptor variant. On other transcripts: intron variant (4).
Genome position (GRCh38, 1-based): chr22:29,661,203, A>G. VCF-style: chr22-29661203-A-G. GRCh37 (hg19) VCF-style: chr22-30057192-A-G.
Other names: c.676-2A>G (NM_016418.5, NM_181832.3, NM_001407060.1 and 2 more transcripts); c.562-2A>G (NM_001407056.1, NM_001407053.1); c.445-2A>G (NM_001407067.1); c.142-2A>G (NM_001407065.1); c.675+2939A>G (NM_001407059.1, NM_001407057.1); c.447+18918A>G (NM_181833.3); c.553-2A>G (NM_001407058.1, NM_181829.3, NM_001407054.1); c.552+2939A>G (NM_001407062.1); and 2 more.
Identifiers: ClinVar variation 412199 (VCV000412199.9), dbSNP rs1060503666, ClinGen allele CA16616366.